The following is an entry in ClinVar:

ClinVar aggregate classification (germline): Uncertain significance (1 of 4 stars; one submission).

Submission:

Women's Health and Genetics/Laboratory Corporation of America, LabCorp
Classification: Uncertain significance. Last evaluated: 2025-03-31. Review status: criteria provided, single submitter. Criteria: LabCorp Variant Classification Summary - May 2015. Collection method: clinical testing. Allele origin: germline.
Comment: Variant summary: The variant involves the duplication of exons1-10 in the L2HGDH gene. A presumed nomenclature of c.(?_-80)_(*4625_?)dup has been designated for the purposes of this classification. This duplication includes the entire coding sequence of the gene. As exact breakpoints are unknown, it may extend beyond the annotated region of the gene, to include other flanking genes. The variant was absent in 21694 control chromosomes. The available data on variant occurrences in the general population are insufficient to allow any conclusion about variant significance. To our knowledge, no occurrence of c.(?_-80)_(*4625_?)dup in individuals affected with L-2 Aciduria and no experimental evidence demonstrating its impact on protein function have been reported. No submitters have cited clinical-significance assessments for this variant to ClinVar. Based on the evidence outlined above, the variant was classified as uncertain significance.

NC_000014.8:g.(?_50709151)_(50778948_?)dup

Gene: L2HGDH (L-2-hydroxyglutarate dehydrogenase; minus strand). Cytogenetic location: 14q21.3.
Variant type: Duplication.
Identifiers: ClinVar variation 3895842 (VCV003895842.1).